The following is an entry in ClinVar:

ClinVar aggregate classification (germline): Pathogenic (1 of 4 stars; one submission).

Submission:

GeneDx
Classification: Pathogenic. Last evaluated: 2024-03-15. Review status: criteria provided, single submitter. Criteria: GeneDx Variant Classification Process June 2021. Collection method: clinical testing. Allele origin: germline. Affected: yes.
Comment: Frameshift variant predicted to result in protein truncation or nonsense mediated decay in a gene for which loss of function is a known mechanism of disease; Not observed at significant frequency in large population cohorts (gnomAD); This variant is associated with the following publications: (PMID: 30919572)

NM_000507.4(FBP1):c.267del (p.Phe90fs)

Gene: FBP1 (fructose-bisphosphatase 1; minus strand). Cytogenetic location: 9q22.32.
Variant type: Deletion.
Coding change: c.267del on transcript NM_000507.4 (MANE Select); coding-DNA position 267, one base deleted (C; older notation c.267delC).
Protein change: p.Phe90fs; shifts the reading frame from phenylalanine 90.
Molecular consequence: frameshift variant.
Genome position (GRCh38, 1-based): chr9:94,620,395, G deleted on the plus strand (C on the coding strand, the reverse complement: FBP1 is on the minus strand); the first of 2 consecutive G bases (chr9:94,620,395-94,620,396); deleting either gives the same sequence. VCF-style (leftmost placement, unchanged base first): chr9-94620394-AG-A. GRCh37 (hg19) VCF-style: chr9-97382676-AG-A.
Other names: c.267del, p.Phe90fs (NM_001127628.2); c.267delC (NM_000507.3); c.267del (NM_000507.3); short protein forms F90fs.
Identifiers: ClinVar variation 427178 (VCV000427178.3), dbSNP rs1085308003, ClinGen allele CA645294052.
Genomic context (GRCh38, chr9:94,620,394, plus strand): 5'-TCTCCGGTTCCACTATGATGGCGTGTTTATCTTCTTCTGACACGAGAACACACGTGGCAA[AG>A]GATGACTTTAACATGTTCATAACCAGGTCGTTGGAGAGGACGTCCAGCTTCTTAACTTGA-3'